The following is an entry in ClinVar:

ClinVar aggregate classification (germline): Uncertain significance. Review status: criteria provided, multiple submitters, no conflicts (2 of 4 stars). 3 submissions from 3 submitters: Uncertain significance (3). Last evaluated 2024-11-24.

Conditions:
Inborn genetic diseases. Identifiers: MedGen C0950123, MeSH D030342.
Leukocyte adhesion deficiency 1 (LAD1). Also called: LEUKOCYTE ADHESION DEFICIENCY, TYPE I; LAD 1; Lymphocyte function-associated antigen 1 immunodeficiency; LFA 1 immunodeficiency. Identifiers: Orphanet 2968, Orphanet 99842, MedGen C0398738, MONDO:0007293, OMIM 116920.

Allele frequency attached by ClinVar (database versions not stated): ExAC 0.00002; gnomAD exomes 0.00002 and 0.00003; TOPMed 0.00006; gnomAD 0.00007 and 0.00008.
gnomAD v4.1: 47 of 1,612,212 alleles (0.0029%); highest among the groups gnomAD compares: African/African-American, 0.011%; no homozygotes.

Submissions (3):

Ambry Genetics
Classification: Uncertain significance for Inborn genetic diseases. Last evaluated: 2024-11-24. Review status: criteria provided, single submitter. Criteria: Ambry Variant Classification Scheme 2023. Collection method: clinical testing. Allele origin: germline.

Labcorp Genetics (formerly Invitae), Labcorp
Classification: Uncertain significance for Leukocyte adhesion deficiency 1. Last evaluated: 2022-08-19. Review status: criteria provided, single submitter. Criteria: Invitae Variant Classification Sherloc (09022015). Collection method: clinical testing. Allele origin: germline.
Comment: This sequence change replaces arginine, which is basic and polar, with glutamine, which is neutral and polar, at codon 450 of the ITGB2 protein (p.Arg450Gln). This variant is present in population databases (rs764262758, gnomAD 0.008%). This variant has not been reported in the literature in individuals affected with ITGB2-related conditions. ClinVar contains an entry for this variant (Variation ID: 578072). Algorithms developed to predict the effect of missense changes on protein structure and function output the following: SIFT: "Tolerated"; PolyPhen-2: "Benign"; Align-GVGD: "Class C0". The glutamine amino acid residue is found in multiple mammalian species, which suggests that this missense change does not adversely affect protein function. Algorithms developed to predict the effect of sequence changes on RNA splicing suggest that this variant may create or strengthen a splice site. In summary, the available evidence is currently insufficient to determine the role of this variant in disease. Therefore, it has been classified as a Variant of Uncertain Significance.

Baylor Genetics
Classification: Uncertain significance for Leukocyte adhesion deficiency 1. Last evaluated: 2018-10-31. Review status: criteria provided, single submitter. Criteria: ACMG Guidelines, 2015. Collection method: clinical testing. Allele origin: paternal. Affected: yes.
Comment: This variant was determined to be of uncertain significance according to ACMG Guidelines, 2015 [PMID:25741868].

NM_000211.5(ITGB2):c.1349G>A (p.Arg450Gln)

Gene: ITGB2 (integrin subunit beta 2; minus strand). Cytogenetic location: 21q22.3.
Variant type: single nucleotide variant.
Coding change: c.1349G>A on transcript NM_000211.5 (MANE Select); coding-DNA position 1349, G replaced by A.
Protein change: p.Arg450Gln; replaces arginine 450 with glutamine.
Molecular consequence: missense variant.
Genome position (GRCh38, 1-based): chr21:44,891,872, C>T on the plus strand (G>A on the coding strand, the complement: ITGB2 is on the minus strand). VCF-style: chr21-44891872-C-T. GRCh37 (hg19) VCF-style: chr21-46311787-C-T.
Other names: c.1349G>A, p.Arg450Gln (NM_001127491.3); c.1142G>A, p.Arg381Gln (NM_001303238.2); short protein forms R450Q, R381Q.
Identifiers: ClinVar variation 578072 (VCV000578072.9), dbSNP rs764262758, ClinGen allele CA10062852.